The following is an entry in ClinVar:

NM_014956.5(CEP164):c.4264_4265insAACTGGT (p.Arg1422fs)

Gene: CEP164 (centrosomal protein 164; plus strand). Cytogenetic location: 11q23.3.
Variant type: Insertion.
Coding change: c.4264_4265insAACTGGT on transcript NM_014956.5 (MANE Select); coding-DNA positions 4264 to 4265, AACTGGT inserted.
Protein change: p.Arg1422fs; shifts the reading frame from arginine 1422.
Molecular consequence: frameshift variant.
Genome position: GRCh38 VCF-style: chr11-117411895-C-CAACTGGT. GRCh37 (hg19) VCF-style: chr11-117282611-C-CAACTGGT.
Other names: c.4249_4250insAACTGGT, p.Arg1417fs (NM_001271933.2); c.4270_4271insAACTGGT, p.Arg1424fs (NM_001440949.1); c.4264_4265insAACTGGT, p.Arg1422fs (NM_001440950.1, NM_001440951.1); c.4255_4256insAACTGGT, p.Arg1419fs (NM_001440952.1); c.4240_4241insAACTGGT, p.Arg1414fs (NM_001440953.1); c.4186_4187insAACTGGT, p.Arg1396fs (NM_001440954.1, NM_001440955.1); c.4177_4178insAACTGGT, p.Arg1393fs (NM_001440956.1); c.4174_4175insAACTGGT, p.Arg1392fs (NM_001440957.1); and 21 more; short protein forms R1277fs, R1303fs, R1347fs, R1368fs, R1372fs, R1392fs, R1393fs, R1365fs.
Identifiers: ClinVar variation 4982408 (VCV004982408.1).

ClinVar aggregate classification (germline): Uncertain significance (1 of 4 stars; one submission).

Conditions:
CEP164-related disorder. Also called: CEP164-related condition.

Submission:

PreventionGenetics, part of Exact Sciences
Classification: Uncertain significance for CEP164-related condition. Last evaluated: 2025-05-19. Review status: criteria provided, single submitter. Criteria: ACMG Guidelines, 2015. Collection method: clinical testing. Allele origin: germline.
Comment: The CEP164 c.4264_4265insAACTGGT variant is predicted to result in a frameshift and premature protein termination (p.Arg1422Leufs*7). To our knowledge, this variant has not been reported in the literature. This variant is reported in 0.023% of alleles in individuals of Latino descent in gnomAD. Although we suspect that this variant may be pathogenic, at this time, the clinical significance of this variant is uncertain due to the absence of conclusive functional and genetic evidence.